The following is an entry in ClinVar:

NM_001904.4(CTNNB1):c.1861C>A (p.Leu621Ile)

Gene: CTNNB1 (catenin beta 1; plus strand). Cytogenetic location: 3p22.1.
Variant type: single nucleotide variant.
Coding change: c.1861C>A on transcript NM_001904.4 (MANE Select); coding-DNA position 1861, C replaced by A.
Protein change: p.Leu621Ile; replaces leucine 621 with isoleucine.
Molecular consequence: missense variant.
Genome position (GRCh38, 1-based): chr3:41,236,406, C>A. VCF-style: chr3-41236406-C-A. GRCh37 (hg19) VCF-style: chr3-41277897-C-A.
Other names: c.1861C>A, p.Leu621Ile (NM_001098209.2, NM_001098210.2); c.1840C>A, p.Leu614Ile (NM_001330729.2); short protein forms L614I, L621I.
Identifiers: ClinVar variation 3372627 (VCV003372627.1).

ClinVar aggregate classification (germline): Uncertain significance (1 of 4 stars; one submission).

Submission:

GeneDx
Classification: Uncertain significance. Last evaluated: 2024-04-22. Review status: criteria provided, single submitter. Criteria: GeneDx Variant Classification Process June 2021. Collection method: clinical testing. Allele origin: germline. Affected: yes.
Comment: Not observed at significant frequency in large population cohorts (gnomAD); In silico analysis indicates that this missense variant does not alter protein structure/function; Has not been previously published as pathogenic or benign to our knowledge